The following is an entry in ClinVar:

NM_004320.6(ATP2A1):c.997G>A (p.Val333Ile)

Gene: ATP2A1 (ATPase sarcoplasmic/endoplasmic reticulum Ca2+ transporting 1; plus strand). Cytogenetic location: 16p11.2.
Variant type: single nucleotide variant.
Coding change: c.997G>A on transcript NM_004320.6 (MANE Select); coding-DNA position 997, G replaced by A.
Protein change: p.Val333Ile; replaces valine 333 with isoleucine.
Molecular consequence: missense variant.
Genome position (GRCh38, 1-based): chr16:28,888,855, G>A. VCF-style: chr16-28888855-G-A. GRCh37 (hg19) VCF-style: chr16-28900176-G-A.
Other names: c.622G>A, p.Val208Ile (NM_001286075.2); c.997G>A, p.Val333Ile (NM_173201.5); c.997G>A (NM_173201.4); short protein forms V208I, V333I.
Identifiers: ClinVar variation 1314010 (VCV001314010.3), dbSNP rs763825500, ClinGen allele CA395404561.

ClinVar aggregate classification (germline): Uncertain significance. Review status: criteria provided, multiple submitters, no conflicts (2 of 4 stars). 2 submissions from 2 submitters: Uncertain significance (2). Last evaluated 2025-02-04.

Conditions:
Brody myopathy. Also called: BRODY DISEASE. Identifiers: Orphanet 53347, MedGen C1832918, MONDO:0010977, OMIM 601003.

Allele frequency attached by ClinVar (database versions not stated): gnomAD exomes below 0.00001; gnomAD 0.00001; TOPMed 0.00001.

Submissions (2):

Revvity Omics, Revvity
Classification: Uncertain significance for Brody myopathy. Last evaluated: 2025-02-04. Review status: criteria provided, single submitter. Criteria: ACMG Guidelines, 2015. Collection method: clinical testing. Allele origin: germline.

GeneDx
Classification: Uncertain significance. Last evaluated: 2021-02-05. Review status: criteria provided, single submitter. Criteria: GeneDx Variant Classification Process June 2021. Collection method: clinical testing. Allele origin: germline. Affected: yes.
Comment: Not observed at a significant frequency in large population cohorts (Lek et al., 2016); In silico analysis supports that this missense variant does not alter protein structure/function; Has not been previously published as pathogenic or benign to our knowledge